The following is an entry in ClinVar:

NM_001386140.1(MTTP):c.2620A>G (p.Asn874Asp)

Gene: MTTP (microsomal triglyceride transfer protein; plus strand). Cytogenetic location: 4q23.
Variant type: single nucleotide variant.
Coding change: c.2620A>G on transcript NM_001386140.1 (MANE Select); coding-DNA position 2620, A replaced by G.
Protein change: p.Asn874Asp; replaces asparagine 874 with aspartic acid.
Molecular consequence: missense variant.
Genome position (GRCh38, 1-based): chr4:99,622,783, A>G. VCF-style: chr4-99622783-A-G. GRCh37 (hg19) VCF-style: chr4-100543940-A-G.
Other names: c.2620A>G, p.Asn874Asp (NM_000253.4); c.2371A>G, p.Asn791Asp (NM_001300785.2); short protein forms N791D, N874D.
Identifiers: ClinVar variation 1252062 (VCV001252062.3), dbSNP rs2110239476, ClinGen allele CA357520531.
Genomic context (GRCh38, chr4:99,622,783, plus strand): 5'-GTCTCTCAGAAAAGAAAAGAAAGCGTATTAGCAGGATGTGAATTCCCGCTCCATCAAGAG[A>G]ACTCAGAGATGTGCAAAGTGGTGTTTGCCCCTCAGCCGGATAGTACTTCCAGCGGATGGT-3'
Protein context (NP_001373069.1, residues 864-884): AGCEFPLHQE[Asn874Asp]SEMCKVVFAP

ClinVar aggregate classification (germline): Uncertain significance. Review status: criteria provided, single submitter (1 of 4 stars). 2 submissions from 1 submitter: Uncertain significance (1). 1 of the submissions does not count toward it. Last evaluated 2024-03-17.

Conditions:
Abetalipoproteinaemia (ABL). Also called: MTP DEFICIENCY; Abetalipoproteinemia; Abetalipoproteinemia neuropathy; Apolipoprotein B deficiency; Congenital betalipoprotein deficiency syndrome. Identifiers: Orphanet 14, MedGen C0000744, MONDO:0008692, OMIM 200100, HP:0008181.

Submissions (2):

Genomic Medicine Center of Excellence, King Faisal Specialist Hospital and Research Centre
Classification: Uncertain significance for Abetalipoproteinaemia. Last evaluated: 2024-03-17. Review status: criteria provided, single submitter. Criteria: ACMG Guidelines, 2015. Collection method: research. Allele origin: germline.

Genomic Medicine Center of Excellence, King Faisal Specialist Hospital and Research Centre
Classification: Uncertain significance for Abetalipoproteinaemia. Last evaluated: 2021-04-29. Review status: flagged submission. Collection method: research. Allele origin: germline. Affected: yes. Not counted in ClinVar's aggregate classification.
ClinVar note: Reason: This record appears to be redundant with a more recent record from the same submitter.
ClinVar note: Notes: SCV001870501 appears to be redundant with SCV004805078.